The following is an entry in ClinVar:

ClinVar aggregate classification (germline): Conflicting classifications of pathogenicity. Review status: criteria provided, conflicting classifications (1 of 4 stars). 2 submissions from 2 submitters: Uncertain significance (1); Likely benign (1). Last evaluated 2021-06-22.

Conditions:
Cardiovascular phenotype. Identifiers: MedGen CN230736.

Allele frequency attached by ClinVar (database versions not stated): ExAC 0.00001; gnomAD exomes 0.00001 and 0.00003; gnomAD 0.00002; TOPMed 0.00004.
gnomAD v4.1: 43 of 1,613,500 alleles (0.0027%); highest among the groups gnomAD compares: Non-Finnish European, 0.0032%; no homozygotes.

Submissions (2):

Ambry Genetics
Classification: Likely benign for Cardiovascular phenotype. Last evaluated: 2021-06-22. Review status: criteria provided, single submitter. Criteria: Ambry Variant Classification Scheme 2023. Collection method: clinical testing. Allele origin: germline.

GeneDx
Classification: Uncertain significance. Last evaluated: 2019-05-09. Review status: criteria provided, single submitter. Criteria: GeneDx Variant Classification Process June 2021. Collection method: clinical testing. Allele origin: germline. Affected: yes.
Comment: Has not been previously published as pathogenic or benign to our knowledge; Not observed at a significant frequency in large population cohorts (Lek et al., 2016); In silico analysis, which includes protein predictors and evolutionary conservation, supports that this variant does not alter protein structure/function

NM_001365276.2(TNXB):c.9080A>G (p.Gln3027Arg)

Gene: TNXB (tenascin XB; minus strand). Cytogenetic location: 6p21.33.
Variant type: single nucleotide variant.
Coding change: c.9080A>G on transcript NM_001365276.2 (MANE Select); coding-DNA position 9080, A replaced by G.
Protein change: p.Gln3027Arg; replaces glutamine 3027 with arginine.
Molecular consequence: missense variant.
Genome position (GRCh38, 1-based): chr6:32,052,705, T>C on the plus strand (A>G on the coding strand, the complement: TNXB is on the minus strand). VCF-style: chr6-32052705-T-C. GRCh37 (hg19) VCF-style: chr6-32020482-T-C.
Other names: c.9074A>G, p.Gln3025Arg (NM_019105.8); short protein forms Q3025R, Q3027R.
Identifiers: ClinVar variation 1217050 (VCV001217050.5), dbSNP rs767216957, ClinGen allele CA3733656.